The following is an entry in ClinVar:

ClinVar aggregate classification (germline): Uncertain significance. Review status: criteria provided, multiple submitters, no conflicts (2 of 4 stars). 2 submissions from 2 submitters: Uncertain significance (2). Last evaluated 2022-06-02.

Submissions (2):

Labcorp Genetics (formerly Invitae), Labcorp
Classification: Uncertain significance. Last evaluated: 2022-06-02. Review status: criteria provided, single submitter. Criteria: Invitae Variant Classification Sherloc (09022015). Collection method: clinical testing. Allele origin: germline.
Comment: In summary, the available evidence is currently insufficient to determine the role of this variant in disease. Therefore, it has been classified as a Variant of Uncertain Significance. ClinVar contains an entry for this variant (Variation ID: 1318471). This variant has not been reported in the literature in individuals affected with ITM2B-related conditions. The frequency data for this variant in the population databases is considered unreliable, as metrics indicate poor data quality at this position in the gnomAD database. This sequence change creates a premature translational stop signal (p.Asp32Argfs*12) in the ITM2B gene. It is expected to result in an absent or disrupted protein product. However, the current clinical and genetic evidence is not sufficient to establish whether loss-of-function variants in ITM2B cause disease.

GeneDx
Classification: Uncertain significance. Last evaluated: 2019-08-28. Review status: criteria provided, single submitter. Criteria: GeneDx Variant Classification Process June 2021. Collection method: clinical testing. Allele origin: germline. Affected: yes.
Comment: Frameshift variant predicted to result in protein truncation or nonsense mediated decay in a gene for which loss-of-function is not a known mechanism of disease; Not observed in large population cohorts (Lek et al., 2016); Has not been previously published as pathogenic or benign to our knowledge

NM_021999.5(ITM2B):c.93dup (p.Asp32fs)

Gene: ITM2B (integral membrane protein 2B; plus strand). Cytogenetic location: 13q14.2.
Variant type: Duplication.
Coding change: c.93dup on transcript NM_021999.5 (MANE Select); coding-DNA position 93, one base duplicated (C; older notation c.93dupC).
Protein change: p.Asp32fs; shifts the reading frame from aspartic acid 32.
Molecular consequence: frameshift variant.
Genome position (GRCh38, 1-based): chr13:48,233,453, C duplicated; the last of 7 consecutive C bases (chr13:48,233,447-48,233,453); duplicating any one gives the same sequence. VCF-style (leftmost placement, unchanged base first): chr13-48233446-T-TC. GRCh37 (hg19) VCF-style: chr13-48807582-T-TC.
Other names: short protein forms D32fs.
Identifiers: ClinVar variation 1318471 (VCV001318471.6), dbSNP rs746700992, ClinGen allele CA6978680.